The following is an entry in ClinVar:

NM_006516.4(SLC2A1):c.276-7T>C

Gene: SLC2A1 (solute carrier family 2 member 1; minus strand). Cytogenetic location: 1p34.2.
Variant type: single nucleotide variant.
Coding change: c.276-7T>C on transcript NM_006516.4 (MANE Select); 7 bases into the intron before coding-DNA position 276, T replaced by C.
Molecular consequence: intron variant.
Genome position (GRCh38, 1-based): chr1:42,930,873, A>G on the plus strand (T>C on the coding strand, the complement: SLC2A1 is on the minus strand). VCF-style: chr1-42930873-A-G. GRCh37 (hg19) VCF-style: chr1-43396544-A-G.
Identifiers: ClinVar variation 139157 (VCV000139157.23), dbSNP rs369273744, ClinGen allele CA019123.

ClinVar aggregate classification (germline): Conflicting classifications of pathogenicity. Review status: criteria provided, conflicting classifications (1 of 4 stars). 9 submissions from 9 submitters: Uncertain significance (2); Benign (2); Likely benign (2). 3 of the submissions do not count toward it. Last evaluated 2026-06-15.

Conditions:
SLC2A1-related disorder. Also called: SLC2A1-related condition; SLC2A1-related disorders.
GLUT1 deficiency syndrome 1, autosomal recessive. Identifiers: MedGen C3149117.

Allele frequency attached by ClinVar (database versions not stated): 1000 Genomes Project 30x 0.00016; 1000 Genomes Project 0.00020; ESP Exome Variant Server 0.00038; gnomAD 0.00054 and 0.00063; TOPMed 0.00069.
gnomAD v4.1: 166 of 1,601,118 alleles (0.01%); highest among the groups gnomAD compares: African/African-American, 0.2%; 1 homozygote.

Submissions (9):

Women's Health and Genetics/Laboratory Corporation of America, LabCorp
Classification: Likely benign. Last evaluated: 2026-06-15. Review status: criteria provided, single submitter. Criteria: LabCorp Variant Classification Summary - May 2015. Collection method: clinical testing. Allele origin: germline.

CeGaT Center for Human Genetics Tuebingen
Classification: Likely benign. Last evaluated: 2026-06-01. Review status: criteria provided, single submitter. Criteria: CeGaT Center For Human Genetics Tuebingen Variant Classification Criteria Version 2. Collection method: clinical testing. Allele origin: germline. Affected: yes. Observed: 1 variant allele.
Comment: SLC2A1: BP4

Labcorp Genetics (formerly Invitae), Labcorp
Classification: Benign for GLUT1 deficiency syndrome 1, autosomal recessive. Last evaluated: 2026-01-21. Review status: criteria provided, single submitter. Criteria: Invitae Variant Classification Sherloc (09022015). Collection method: clinical testing. Allele origin: germline.

Blueprint Genetics
Classification: Uncertain significance. Last evaluated: 2023-03-09. Review status: criteria provided, single submitter. Criteria: ACMG Guidelines, 2015. Collection method: clinical testing. Allele origin: germline.

Eurofins Ntd Llc (ga)
Classification: Uncertain significance. Last evaluated: 2015-01-26. Review status: criteria provided, single submitter. Criteria: EGL Classification Definitions 2015. Collection method: clinical testing. Allele origin: germline. Observed: 2 variant alleles, 2 heterozygotes.

GeneDx
Classification: Benign. Last evaluated: 2013-07-24. Review status: criteria provided, single submitter. Criteria: GeneDx Variant Classification (06012015). Collection method: clinical testing. Allele origin: germline. Affected: yes.
Comment: This variant is considered likely benign or benign based on one or more of the following criteria: it is a conservative change, it occurs at a poorly conserved position in the protein, it is predicted to be benign by multiple in silico algorithms, and/or has population frequency not consistent with disease.

PreventionGenetics, part of Exact Sciences
Classification: Likely benign for SLC2A1-related condition. Last evaluated: 2019-05-03. Review status: no assertion criteria provided. Collection method: clinical testing. Allele origin: germline. Not counted in ClinVar's aggregate classification.
Comment: This variant is classified as likely benign based on ACMG/AMP sequence variant interpretation guidelines (Richards et al. 2015 PMID: 25741868, with internal and published modifications).

Clinical Genetics DNA and cytogenetics Diagnostics Lab, Erasmus MC, Erasmus Medical Center
Classification: Likely benign. Review status: no assertion criteria provided. Collection method: clinical testing. Allele origin: germline. Affected: yes. Study: VKGL Data-share Consensus. Not counted in ClinVar's aggregate classification.

Genome Diagnostics Laboratory, University Medical Center Utrecht
Classification: Likely benign. Review status: no assertion criteria provided. Collection method: clinical testing. Allele origin: germline. Affected: yes. Study: VKGL Data-share Consensus. Not counted in ClinVar's aggregate classification.